The following is an entry in ClinVar:

ClinVar aggregate classification (germline): Uncertain significance (1 of 4 stars; one submission).

Conditions:
Agammaglobulinemia 2, autosomal recessive (AGM2). Also called: AGAMMAGLOBULINEMIA, AUTOSOMAL RECESSIVE, DUE TO IGLL1 DEFECT. Identifiers: MedGen C3150750, MONDO:0013287, OMIM 613500.

gnomAD v4.1: 2 of 1,613,934 alleles (0.00012%); highest among the groups gnomAD compares: Non-Finnish European, 0.00017%; no homozygotes.

Submission:

Labcorp Genetics (formerly Invitae), Labcorp
Classification: Uncertain significance for Agammaglobulinemia 2, autosomal recessive. Last evaluated: 2025-12-01. Review status: criteria provided, single submitter. Criteria: Invitae Variant Classification Sherloc (09022015). Collection method: clinical testing. Allele origin: germline.
Comment: This sequence change replaces leucine, which is neutral and non-polar, with valine, which is neutral and non-polar, at codon 118 of the IGLL1 protein (p.Leu118Val). This variant is not present in population databases (gnomAD no frequency). This variant has not been reported in the literature in individuals affected with IGLL1-related conditions. An algorithm developed to predict the effect of missense changes on protein structure and function outputs the following: PolyPhen-2: "Benign". The valine amino acid residue is found in multiple mammalian species, which suggests that this missense change does not adversely affect protein function. In summary, the available evidence is currently insufficient to determine the role of this variant in disease. Therefore, it has been classified as a Variant of Uncertain Significance.

NM_020070.4(IGLL1):c.352C>G (p.Leu118Val)

Gene: IGLL1 (immunoglobulin lambda like polypeptide 1; minus strand). Cytogenetic location: 22q11.23.
Variant type: single nucleotide variant.
Coding change: c.352C>G on transcript NM_020070.4 (MANE Select); coding-DNA position 352, C replaced by G.
Protein change: p.Leu118Val; replaces leucine 118 with valine.
Molecular consequence: missense variant.
Genome position (GRCh38, 1-based): chr22:23,573,556, G>C on the plus strand (C>G on the coding strand, the complement: IGLL1 is on the minus strand). VCF-style: chr22-23573556-G-C. GRCh37 (hg19) VCF-style: chr22-23915743-G-C.
Other names: c.355C>G, p.Leu119Val (NM_001369906.1); c.236C>G, p.Ser79Cys (NM_152855.3); short protein forms L118V, L119V, S79C.
Identifiers: ClinVar variation 4811009 (VCV004811009.1).
Genomic context (GRCh38, chr22:23,573,556, plus strand): 5'-TCATGAGACACACCAGTGTAGCCTTGTTGGCTTGGAGCTCCTCAGAGGACGGCGGGAACA[G>C]AGTGACCGAGGGGGTGGCCTTGGGCTGACCTGTGTGGACAGAGGAGGGGGTGAGAGATGG-3'
Protein context (NP_064455.1, residues 108-128): SQPKATPSVT[Leu118Val]FPPSSEELQA